The following is an entry in ClinVar:

NM_017780.4(CHD7):c.4533+1G>C

Gene: CHD7 (chromodomain helicase DNA binding protein 7; plus strand). Cytogenetic location: 8q12.2.
Variant type: single nucleotide variant.
Coding change: c.4533+1G>C on transcript NM_017780.4 (MANE Select); the canonical splice donor site of the intron after coding-DNA position 4533, G replaced by C.
Molecular consequence: splice donor variant. On other transcripts: intron variant (1).
Genome position (GRCh38, 1-based): chr8:60,838,256, G>C. VCF-style: chr8-60838256-G-C. GRCh37 (hg19) VCF-style: chr8-61750815-G-C.
Other names: c.1717-23973G>C (NM_001316690.1).
Identifiers: ClinVar variation 3651212 (VCV003651212.2).
Genomic context (GRCh38, chr8:60,838,256, plus strand): 5'-CTACGTCGAACCCACACCATTACCATTGAGTCAGAAGGGAAAGGTTCCACATTTGCTAAG[G>C]TGTGAATCGATCTAAAGAGGCCAGGTTTTCCATAGAAGCATGACAGAGTTCATGTGAAAA-3'

ClinVar aggregate classification (germline): Likely pathogenic (1 of 4 stars; one submission).

Conditions:
CHARGE syndrome (CHARGE). Also called: Hittner Hirsch Kreh syndrome; CHARGE ASSOCIATION--COLOBOMA, HEART ANOMALY, CHOANAL ATRESIA, RETARDATION, GENITAL AND EAR ANOMALIES; Coloboma, heart anomaly, choanal atresia, retardation, genital and ear anomalies; CHARGE association; Hall-Hittner syndrome. Identifiers: Orphanet 138, MedGen C0265354, MONDO:0008965.

Submission:

Labcorp Genetics (formerly Invitae), Labcorp
Classification: Likely pathogenic for CHARGE syndrome. Last evaluated: 2024-04-25. Review status: criteria provided, single submitter. Criteria: Invitae Variant Classification Sherloc (09022015). Collection method: clinical testing. Allele origin: germline.
Comment: This sequence change affects a donor splice site in intron 19 of the CHD7 gene. It is expected to disrupt RNA splicing. Variants that disrupt the donor or acceptor splice site typically lead to a loss of protein function (PMID: 16199547), and loss-of-function variants in CHD7 are known to be pathogenic (PMID: 22461308, 25077900). This variant is not present in population databases (gnomAD no frequency). This variant has not been reported in the literature in individuals affected with CHD7-related conditions. Algorithms developed to predict the effect of sequence changes on RNA splicing suggest that this variant may disrupt the consensus splice site. In summary, the currently available evidence indicates that the variant is pathogenic, but additional data are needed to prove that conclusively. Therefore, this variant has been classified as Likely Pathogenic.

Literature cited by the submitters: PubMed 16199547; PubMed 22461308; PubMed 25077900.